The following is an entry in ClinVar:

ClinVar aggregate classification (germline): Likely benign (1 of 4 stars; one submission).

Allele frequency attached by ClinVar (database versions not stated): ExAC 0.00001; gnomAD 0.00001; TOPMed 0.00001.
gnomAD v4.1: 10 of 1,610,212 alleles (0.00062%); highest among the groups gnomAD compares: African/African-American, 0.0013%; no homozygotes.

Submission:

CeGaT Center for Human Genetics Tuebingen
Classification: Likely benign. Last evaluated: 2024-01-01. Review status: criteria provided, single submitter. Criteria: CeGaT Center For Human Genetics Tuebingen Variant Classification Criteria Version 2. Collection method: clinical testing. Allele origin: germline. Affected: yes. Observed: 1 variant allele.
Comment: CFAP65: BP4, BP7

NM_194302.4(CFAP65):c.4185G>A (p.Ser1395=)

Genes: CFAP65 (cilia and flagella associated protein 65; minus strand), CFAP65-AS1 (CFAP65 antisense RNA 1; plus strand). Cytogenetic location: 2q35.
Variant type: single nucleotide variant.
Coding change: c.4185G>A on transcript NM_194302.4 (MANE Select); coding-DNA position 4185, G replaced by A.
Protein change: p.Ser1395=; no amino-acid change (serine 1395 retained).
Molecular consequence: synonymous variant.
Genome position (GRCh38, 1-based): chr2:219,010,669, C>T on the plus strand (G>A on the coding strand, the complement: CFAP65 is on the minus strand). VCF-style: chr2-219010669-C-T. GRCh37 (hg19) VCF-style: chr2-219875391-C-T.
Identifiers: ClinVar variation 3026328 (VCV003026328.22), dbSNP rs778237584, ClinGen allele CA2115041.